The following is an entry in ClinVar:

NM_022168.4(IFIH1):c.2408T>C (p.Ile803Thr)

Gene: IFIH1 (interferon induced with helicase C domain 1; minus strand). Cytogenetic location: 2q24.2.
Variant type: single nucleotide variant.
Coding change: c.2408T>C on transcript NM_022168.4 (MANE Select); coding-DNA position 2408, T replaced by C.
Protein change: p.Ile803Thr; replaces isoleucine 803 with threonine.
Molecular consequence: missense variant.
Genome position (GRCh38, 1-based): chr2:162,273,841, A>G on the plus strand (T>C on the coding strand, the complement: IFIH1 is on the minus strand). VCF-style: chr2-162273841-A-G. GRCh37 (hg19) VCF-style: chr2-163130351-A-G.
Other names: c.2408T>C (NM_022168.2); short protein forms I803T.
Identifiers: ClinVar variation 1022457 (VCV001022457.10), dbSNP rs778884536, ClinGen allele CA1934205.

ClinVar aggregate classification (germline): Uncertain significance. Review status: criteria provided, multiple submitters, no conflicts (2 of 4 stars). 3 submissions from 3 submitters: Uncertain significance (3). Last evaluated 2024-06-26.

Conditions:
Singleton-Merten syndrome 1 (SGMRT1). Also called: Widened medullary cavities of bone, aortic calcification, abnormal dentition, and muscular weakness; Syndrome of widened medullary cavities of the metacarpals and phalanges, aortic calcification and abnormal dentition. Identifiers: Orphanet 85191, MedGen C4225427, MONDO:0024535, OMIM 182250.
Aicardi-Goutieres syndrome 7 (AGS7). Identifiers: Orphanet 51, MedGen C3888244, MONDO:0014367, OMIM 615846.
Inborn genetic diseases. Identifiers: MedGen C0950123, MeSH D030342.

Allele frequency attached by ClinVar (database versions not stated): gnomAD exomes below 0.00001; ExAC 0.00001.

Submissions (3):

Labcorp Genetics (formerly Invitae), Labcorp
Classification: Uncertain significance for Aicardi-Goutieres syndrome 7; Singleton-Merten syndrome 1. Last evaluated: 2024-06-26. Review status: criteria provided, single submitter. Criteria: Invitae Variant Classification Sherloc (09022015). Collection method: clinical testing. Allele origin: germline.
Comment: This sequence change replaces isoleucine, which is neutral and non-polar, with threonine, which is neutral and polar, at codon 803 of the IFIH1 protein (p.Ile803Thr). This variant is present in population databases (rs778884536, gnomAD 0.0009%). This variant has not been reported in the literature in individuals affected with IFIH1-related conditions. ClinVar contains an entry for this variant (Variation ID: 1022457). Advanced modeling of protein sequence and biophysical properties (such as structural, functional, and spatial information, amino acid conservation, physicochemical variation, residue mobility, and thermodynamic stability) has been performed at Invitae for this missense variant, however the output from this modeling did not meet the statistical confidence thresholds required to predict the impact of this variant on IFIH1 protein function. This variant disrupts the p.Ile803 amino acid residue in IFIH1. Other variant(s) that disrupt this residue have been determined to be pathogenic (PMID: 31898846). This suggests that this residue is clinically significant, and that variants that disrupt this residue are likely to be disease-causing. In summary, the available evidence is currently insufficient to determine the role of this variant in disease. Therefore, it has been classified as a Variant of Uncertain Significance.

Ambry Genetics
Classification: Uncertain significance for Inborn genetic diseases. Last evaluated: 2023-06-22. Review status: criteria provided, single submitter. Criteria: Ambry Variant Classification Scheme 2023. Collection method: clinical testing. Allele origin: germline.

Blueprint Genetics
Classification: Uncertain significance. Last evaluated: 2021-03-03. Review status: criteria provided, single submitter. Criteria: ACMG Guidelines, 2015. Collection method: clinical testing. Allele origin: germline.

Literature cited by the submitters: PubMed 31898846 (cited by Labcorp Genetics (formerly Invitae), Labcorp).